The following is an entry in ClinVar:

ClinVar aggregate classification (germline): Likely benign (1 of 4 stars; one submission).

gnomAD v4.1: 1 of 1,612,060 alleles (0.000062%); highest among the groups gnomAD compares: Non-Finnish European, 0.000085%; no homozygotes.

Submission:

CeGaT Center for Human Genetics Tuebingen
Classification: Likely benign. Last evaluated: 2026-08-01. Review status: criteria provided, single submitter. Criteria: CeGaT Center For Human Genetics Tuebingen Variant Classification Criteria Version 2. Collection method: clinical testing. Allele origin: germline. Affected: yes. Observed: 1 variant allele.
Comment: SNX7: BP4

NM_015976.5(SNX7):c.560A>G (p.Lys187Arg)

Gene: SNX7 (sorting nexin 7; plus strand). Cytogenetic location: 1p21.3.
Variant type: single nucleotide variant.
Coding change: c.560A>G on transcript NM_015976.5 (MANE Select); coding-DNA position 560, A replaced by G.
Protein change: p.Lys187Arg; replaces lysine 187 with arginine.
Molecular consequence: missense variant. On other transcripts: non-coding transcript variant (1), intron variant (1).
Genome position (GRCh38, 1-based): chr1:98,691,620, A>G. VCF-style: chr1-98691620-A-G. GRCh37 (hg19) VCF-style: chr1-99157176-A-G.
Other names: c.368A>G, p.Lys123Arg (NM_001364903.1); c.474+435A>G (NM_152238.4); short protein forms K123R, K187R.
Identifiers: ClinVar variation 5040328 (VCV005040328.1).